The following is an entry in ClinVar:

ClinVar aggregate classification (germline): Conflicting classifications of pathogenicity. Review status: criteria provided, conflicting classifications (1 of 4 stars). 3 submissions from 3 submitters: Uncertain significance (2); Likely benign (1). Last evaluated 2025-01-23.

Conditions:
Catecholaminergic polymorphic ventricular tachycardia (CVPT). Also called: Catecholamine-induced polymorphic ventricular tachycardia. Identifiers: Orphanet 3286, MedGen C5574922, MONDO:0017990.
Cardiomyopathy (CMYO). Also called: Cardiomyopathies. Identifiers: Orphanet 167848, MedGen C0878544, MONDO:0004994, HP:0001638. Inheritance: Various modes of inheritance.
Catecholaminergic polymorphic ventricular tachycardia 1. Also called: VENTRICULAR TACHYCARDIA, CATECHOLAMINERGIC POLYMORPHIC, 1, WITH OR WITHOUT ATRIAL DYSFUNCTION AND/OR DILATED CARDIOMYOPATHY; VENTRICULAR TACHYCARDIA, STRESS-INDUCED POLYMORPHIC 1; RYR2-Related Catecholaminergic Polymorphic Ventricular Tachycardia. Identifiers: Orphanet 3286, MedGen C1631597, MONDO:0011484, OMIM 604772.

Allele frequency attached by ClinVar (database versions not stated): gnomAD exomes below 0.00001; TOPMed below 0.00001.
gnomAD v4.1: 6 of 1,526,114 alleles (0.00039%); highest among the groups gnomAD compares: Non-Finnish European, 0.00036%; no homozygotes.

Submissions (3):

Labcorp Genetics (formerly Invitae), Labcorp
Classification: Likely benign for Catecholaminergic polymorphic ventricular tachycardia 1. Last evaluated: 2025-01-23. Review status: criteria provided, single submitter. Criteria: Invitae Variant Classification Sherloc (09022015). Collection method: clinical testing. Allele origin: germline.

All of Us Research Program, National Institutes of Health
Classification: Uncertain significance for Catecholaminergic polymorphic ventricular tachycardia. Last evaluated: 2023-11-02. Review status: criteria provided, single submitter. Criteria: ACMG Guidelines, 2015. Collection method: clinical testing. Allele origin: germline. Inheritance: Autosomal dominant inheritance. Observed: 1 variant allele, 1 heterozygote.
Comment: This variant causes a C to A nucleotide substitution at the -13 position of intron 102 of the RYR2 gene. Splice prediction tools and conservation analysis are inconclusive regarding the impact of this variant on RNA splicing. To our knowledge, functional studies have not been reported for this variant. This variant has not been reported in individuals affected with RYR2-related disorders in the literature. This variant has not been identified in the general population by the Genome Aggregation Database (gnomAD). The available evidence is insufficient to determine the role of this variant in disease conclusively. Therefore, this variant is classified as a Variant of Uncertain Significance.

This study involves interpretation of variants in research participants for the purpose of population health screening. Participant phenotype was not available at the time of variant classification. Additional details can be found in publication PMID: 35346344, PMCID: PMC8962531

Color Diagnostics, LLC DBA Color Health
Classification: Uncertain significance for Cardiomyopathy. Last evaluated: 2023-10-19. Review status: criteria provided, single submitter. Criteria: ACMG Guidelines, 2015. Collection method: clinical testing. Allele origin: germline.
Comment: This variant causes a C to A nucleotide substitution at the -13 position of intron 102 of the RYR2 gene. Splice prediction tools and conservation analysis are inconclusive regarding the impact of this variant on RNA splicing. To our knowledge, functional studies have not been reported for this variant. This variant has not been reported in individuals affected with RYR2-related disorders in the literature. This variant has not been identified in the general population by the Genome Aggregation Database (gnomAD). The available evidence is insufficient to determine the role of this variant in disease conclusively. Therefore, this variant is classified as a Variant of Uncertain Significance.

NM_001035.3(RYR2):c.14656-13C>A

Gene: RYR2 (ryanodine receptor 2; plus strand). Cytogenetic location: 1q43.
Variant type: single nucleotide variant.
Coding change: c.14656-13C>A on transcript NM_001035.3 (MANE Select); 13 bases into the intron before coding-DNA position 14656, C replaced by A.
Molecular consequence: intron variant.
Genome position (GRCh38, 1-based): chr1:237,830,517, C>A. VCF-style: chr1-237830517-C-A. GRCh37 (hg19) VCF-style: chr1-237993817-C-A.
Identifiers: ClinVar variation 1332093 (VCV001332093.14), dbSNP rs1663654908, ClinGen allele CA2487502566.